The following is an entry in ClinVar:

ClinVar aggregate classification (germline): Likely benign (1 of 4 stars; one submission).

Allele frequency attached by ClinVar (database versions not stated): ExAC 0.00014; 1000 Genomes Project 0.00060.

Submission:

CeGaT Center for Human Genetics Tuebingen
Classification: Likely benign. Last evaluated: 2023-02-01. Review status: criteria provided, single submitter. Criteria: CeGaT Center For Human Genetics Tuebingen Variant Classification Criteria Version 2. Collection method: clinical testing. Allele origin: germline. Affected: yes. Observed: 1 variant allele.
Comment: EPPK1: BP4, BP7

NM_031308.4(EPPK1):c.14799G>A (p.Ala4933=)

Gene: EPPK1 (epiplakin 1; minus strand). Cytogenetic location: 8q24.3.
Variant type: single nucleotide variant.
Coding change: c.14799G>A on transcript NM_031308.4 (MANE Select); coding-DNA position 14799, G replaced by A.
Protein change: p.Ala4933=; no amino-acid change (alanine 4933 retained).
Molecular consequence: synonymous variant.
Genome position (GRCh38, 1-based): chr8:143,858,455, C>T on the plus strand (G>A on the coding strand, the complement: EPPK1 is on the minus strand). VCF-style: chr8-143858455-C-T. GRCh37 (hg19) VCF-style: chr8-144940627-C-T.
Identifiers: ClinVar variation 2658923 (VCV002658923.24), dbSNP rs61368455, ClinGen allele CA187610883.